The following is an entry in ClinVar:

ClinVar aggregate classification (germline): Uncertain significance (1 of 4 stars; one submission).

Conditions:
LAMA2-related muscular dystrophy (LAMA2-RD). Also called: Laminin alpha 2-related dystrophy. Identifiers: MedGen C5679788, MONDO:0100228.

Allele frequency attached by ClinVar (database versions not stated): gnomAD exomes below 0.00001; TOPMed below 0.00001.
gnomAD v4.1: 6 of 1,610,296 alleles (0.00037%); highest among the groups gnomAD compares: Non-Finnish European, 0.00051%; no homozygotes.

Submission:

Labcorp Genetics (formerly Invitae), Labcorp
Classification: Uncertain significance for LAMA2-related muscular dystrophy. Last evaluated: 2022-02-22. Review status: criteria provided, single submitter. Criteria: Invitae Variant Classification Sherloc (09022015). Collection method: clinical testing. Allele origin: germline.
Comment: This sequence change affects codon 304 of the LAMA2 mRNA. It is a 'silent' change, meaning that it does not change the encoded amino acid sequence of the LAMA2 protein. This variant is not present in population databases (gnomAD no frequency). This variant has not been reported in the literature in individuals affected with LAMA2-related conditions. ClinVar contains an entry for this variant (Variation ID: 945711). Algorithms developed to predict the effect of sequence changes on RNA splicing suggest that this variant may create or strengthen a splice site. In summary, the available evidence is currently insufficient to determine the role of this variant in disease. Therefore, it has been classified as a Variant of Uncertain Significance.

NM_000426.4(LAMA2):c.912A>G (p.Lys304=)

Gene: LAMA2 (laminin subunit alpha 2; plus strand). Cytogenetic location: 6q22.33.
Variant type: single nucleotide variant.
Coding change: c.912A>G on transcript NM_000426.4 (MANE Select); coding-DNA position 912, A replaced by G.
Protein change: p.Lys304=; no amino-acid change (lysine 304 retained).
Molecular consequence: synonymous variant.
Genome position (GRCh38, 1-based): chr6:129,148,981, A>G. VCF-style: chr6-129148981-A-G. GRCh37 (hg19) VCF-style: chr6-129470126-A-G.
Other names: c.912A>G, p.Lys304= (NM_001079823.2).
Identifiers: ClinVar variation 945711 (VCV000945711.6), dbSNP rs1778641665, ClinGen allele CA451925454.
Genomic context (GRCh38, chr6:129,148,981, plus strand): 5'-CTTCCTTTATGGTTCTAAATGAGGCTAAAATTTGTGCTTCCTCCCTCTTTTTGACTAGAA[A>G]TCTCGCTGTGAGTGTGAGCATAACACATGTGGCGATAGCTGTGATCAGTGCTGTCCAGGA-3'
Protein context (NP_000417.3, residues 294-314): RACPLDPATN[Lys304=]SRCECEHNTC